The following is an entry in ClinVar:

NM_000161.3(GCH1):c.*1010C>T

Gene: GCH1 (GTP cyclohydrolase 1; minus strand). Cytogenetic location: 14q22.2.
Variant type: single nucleotide variant.
Coding change: c.*1010C>T on transcript NM_000161.3 (MANE Select); 1010 bases downstream of the stop codon, C replaced by T.
Molecular consequence: 3 prime UTR variant.
Genome position (GRCh38, 1-based): chr14:54,843,007, G>A on the plus strand (C>T on the coding strand, the complement: GCH1 is on the minus strand). VCF-style: chr14-54843007-G-A. GRCh37 (hg19) VCF-style: chr14-55309725-G-A.
Other names: c.*64C>T (NM_001024024.2); c.*60C>T (NM_001024070.2); c.*32C>T (NM_001024071.2).
Identifiers: ClinVar variation 313374 (VCV000313374.5), dbSNP rs764569623, ClinGen allele CA7193437.
Genomic context (GRCh38, chr14:54,843,007, plus strand): 5'-GTTGGTACGATACGCTTTGGTTAAAACGTTGGACACAGCTCATAATGTCTTCCACCGTCA[G>A]TTCATTCTGTGCTCGTTCAGGTGCGTGGAAGCTATGGTTCTGCAGACCTGAAAATGATGG-3'

ClinVar aggregate classification (germline): Conflicting classifications of pathogenicity. Review status: criteria provided, conflicting classifications (1 of 4 stars). 2 submissions from 1 submitter: Uncertain significance (1); Benign (1). Last evaluated 2018-01-13.

Conditions:
GTP cyclohydrolase I deficiency. Identifiers: MedGen C0268467, MONDO:0100184.
Dystonia 5 (DRD). Also called: DYSTONIA, PROGRESSIVE, WITH DIURNAL VARIATION; DYSTONIA-PARKINSONISM WITH DIURNAL FLUCTUATION; Dystonia, DOPA-responsive, with or without hyperphenylalaninemia; GTP Cyclohydrolase 1-Deficient Dopa-Responsive Dystonia; DYT-GCH1. Identifiers: Orphanet 98808, MedGen C1851920, MONDO:0007495, OMIM 128230.

Allele frequency attached by ClinVar (database versions not stated): gnomAD 0.00003 and 0.00004; TOPMed 0.00005; ExAC 0.00007; gnomAD exomes 0.00008 and 0.00010.
gnomAD v4.1: 68 of 807,740 alleles (0.0084%); highest among the groups gnomAD compares: South Asian, 0.045%; no homozygotes.

Submissions (2):

Illumina Laboratory Services, Illumina
Classification: Uncertain significance for GTP cyclohydrolase I deficiency with hyperphenylalaninemia. Last evaluated: 2018-01-13. Review status: criteria provided, single submitter. Criteria: ICSL Variant Classification Criteria 13 December 2019. Collection method: clinical testing. Allele origin: germline.

Illumina Laboratory Services, Illumina
Classification: Benign for Dystonia 5. Last evaluated: 2018-01-13. Review status: criteria provided, single submitter. Criteria: ICSL Variant Classification Criteria 13 December 2019. Collection method: clinical testing. Allele origin: germline.
Comment: This variant was observed in the ICSL laboratory as part of a predisposition screen in an ostensibly healthy population. It had not been previously curated by ICSL or reported in the Human Gene Mutation Database (HGMD: prior to June 1st, 2018), and was therefore a candidate for classification through an automated scoring system. Utilizing variant allele frequency, disease prevalence and penetrance estimates, and inheritance mode, an automated score was calculated to assess if this variant is too frequent to cause the disease. Based on the score and internal cut-off values, a variant classified as benign is not then subjected to further curation. The score for this variant resulted in a classification of benign for this disease.